The following is an entry in ClinVar:

NM_172107.4(KCNQ2):c.592_594delinsA (p.Arg198fs)

Gene: KCNQ2 (potassium voltage-gated channel subfamily Q member 2; minus strand). Cytogenetic location: 20q13.33.
Variant type: Indel.
Coding change: c.592_594delinsA on transcript NM_172107.4 (MANE Select); coding-DNA positions 592 to 594, CGG replaced by A.
Protein change: p.Arg198fs; shifts the reading frame from arginine 198.
Molecular consequence: frameshift variant.
Genome position (GRCh38, 1-based): chr20:63,444,755-63,444,757, CCG replaced by T on the plus strand (CGG replaced by A on the coding strand, the reverse complement: KCNQ2 is on the minus strand). VCF-style: chr20-63444755-CCG-T. GRCh37 (hg19) VCF-style: chr20-62076108-CCG-T.
Other names: c.592_594delinsA, p.Arg198fs (NM_004518.6, NM_172106.3, NM_172108.5 and 1 more transcripts); short protein forms R198fs.
Identifiers: ClinVar variation 369752 (VCV000369752.2), dbSNP rs1057516084, ClinGen allele CA10654827.

ClinVar aggregate classification (germline): not provided (0 of 4 stars; one submission).

Conditions:
Seizures, benign familial neonatal, 1. Also called: KCNQ2-Related Benign Familial Neonatal Epilepsy; Benign Neonatal Epilepsy 1; KCNQ2-Related Self-Limited Familial Neonatal Epilepsy (SLFNE); Seizures, benign neonatal, 1. Identifiers: Orphanet 1949, MedGen C3149074, MONDO:0007365, OMIM 121200.

Submission:

GeneReviews
No classification provided. Condition: Seizures, benign familial neonatal, 1. Review status: no classification provided. Collection method: literature only. Allele origin: germline. Affected: yes.
Comment: BFNIS (benign familial neonatal-infantile seizures)

Literature cited by the submitters: PubMed 23360469; NCBI Bookshelf NBK32534.